The following is an entry in ClinVar:

NM_000492.4(CFTR):c.1066_1071del (p.Trp356_Ala357del)

Gene: CFTR (CF transmembrane conductance regulator; plus strand). Cytogenetic location: 7q31.2.
Variant type: Deletion.
Coding change: c.1066_1071del on transcript NM_000492.4 (MANE Select); coding-DNA positions 1066 to 1071, 6 bases deleted (TGGGCT; older notation c.1066_1071delTGGGCT).
Protein change: p.Trp356_Ala357del.
Molecular consequence: inframe deletion.
Genome position (GRCh38, 1-based): chr7:117,540,296-117,540,301, TGGGCT deleted. VCF-style (leftmost placement, unchanged base first): chr7-117540295-CTGGGCT-C. GRCh37 (hg19) VCF-style: chr7-117180349-CTGGGCT-C.
Other names: c.1066_1071delTGGGCT (NM_000492.4).
Identifiers: ClinVar variation 1685263 (VCV001685263.2), dbSNP rs2116684480, ClinGen allele CA2573141569.

ClinVar aggregate classification (germline): Conflicting classifications of pathogenicity. Review status: criteria provided, conflicting classifications (1 of 4 stars). 2 submissions from 2 submitters: Likely pathogenic (1); Uncertain significance (1). Last evaluated 2024-12-26.

Conditions:
Hereditary pancreatitis (PCTT). Also called: PRSS1-Related Hereditary Pancreatitis; Hereditary chronic pancreatitis. Identifiers: Orphanet 676, MedGen C0238339, MONDO:0008185, OMIM 167800.

Submissions (2):

Women's Health and Genetics/Laboratory Corporation of America, LabCorp
Classification: Uncertain significance. Last evaluated: 2024-12-26. Review status: criteria provided, single submitter. Criteria: LabCorp Variant Classification Summary - May 2015. Collection method: clinical testing. Allele origin: germline.
Comment: Variant summary: CFTR c.1066_1071delTGGGCT (p.Trp356_Ala357del) results in an in-frame deletion that is predicted to remove 2 amino acids from the encoded protein. The variant was absent in 251114 control chromosomes (gnomAD). The available data on variant occurrences in the general population are insufficient to allow any conclusion about variant significance. c.1066_1071delTGGGCT has been reported in the literature as a complex allele with the missense variant c.1072G>A (p.Val358Ile) in cis in individuals affected with Cystic Fibrosis (McGinniss_2005, Martinez-Hernandez_2024). These reports do not provide unequivocal conclusions about association of the variant with Cystic Fibrosis. To our knowledge, no experimental evidence demonstrating an impact on protein function has been reported. The following publications have been ascertained in the context of this evaluation (PMID: 38601560, 16189704). ClinVar contains an entry for this variant (Variation ID: 1685263). Based on the evidence outlined above, the variant was classified as uncertain significance.

Mendelics
Classification: Likely pathogenic for Hereditary pancreatitis. Last evaluated: 2022-05-04. Review status: criteria provided, single submitter. Criteria: Mendelics Assertion Criteria 2019. Collection method: clinical testing. Allele origin: germline.

Literature cited by the submitters: PubMed 16189704 (cited by Women's Health and Genetics/Laboratory Corporation of America, LabCorp); PubMed 38601560 (cited by Women's Health and Genetics/Laboratory Corporation of America, LabCorp).